The following is an entry in ClinVar:

NM_000264.5(PTCH1):c.1161G>C (p.Trp387Cys)

Gene: PTCH1 (patched 1; minus strand). Cytogenetic location: 9q22.32.
Variant type: single nucleotide variant.
Coding change: c.1161G>C on transcript NM_000264.5 (MANE Select); coding-DNA position 1161, G replaced by C.
Protein change: p.Trp387Cys; replaces tryptophan 387 with cysteine.
Molecular consequence: missense variant. On other transcripts: non-coding transcript variant (1).
Genome position (GRCh38, 1-based): chr9:95,479,054, C>G on the plus strand (G>C on the coding strand, the complement: PTCH1 is on the minus strand). VCF-style: chr9-95479054-C-G. GRCh37 (hg19) VCF-style: chr9-98241336-C-G.
Other names: c.963G>C, p.Trp321Cys (NM_001083602.3); c.1158G>C, p.Trp386Cys (NM_001083603.3); c.708G>C, p.Trp236Cys (NM_001083604.3, NM_001083605.3, NM_001083606.3 and 1 more transcripts); c.1161G>C, p.Trp387Cys (NM_001354918.2); short protein forms W386C, W236C, W321C, W387C.
Identifiers: ClinVar variation 2014274 (VCV002014274.4), dbSNP rs1588605485, ClinGen allele CA374119325.
Genomic context (GRCh38, chr9:95,479,054, plus strand): 5'-GTTTACCTCCACATATGTCCTCTGCCAGGCCTCCAGGATGGCTGCCGCTTTGTCCTCGTT[C>G]CAGTTGATGTGTGAGACATACTCGTACCCCTTGAAGTGCTCGTACATTTGCTTGGGAGTC-3'
Protein context (NP_000255.2, residues 377-397): KGYEYVSHIN[Trp387Cys]NEDKAAAILE

ClinVar aggregate classification (germline): Uncertain significance (1 of 4 stars; one submission).

Conditions:
Gorlin syndrome. Also called: Nevoid Basal Cell Carcinoma Syndrome; Basal cell nevus syndrome. Identifiers: Orphanet 377, MedGen C0004779, MONDO:0007187.

Submission:

Labcorp Genetics (formerly Invitae), Labcorp
Classification: Uncertain significance for Gorlin syndrome. Last evaluated: 2022-07-05. Review status: criteria provided, single submitter. Criteria: Invitae Variant Classification Sherloc (09022015). Collection method: clinical testing. Allele origin: germline.
Comment: This sequence change replaces tryptophan, which is neutral and slightly polar, with cysteine, which is neutral and slightly polar, at codon 387 of the PTCH1 protein (p.Trp387Cys). This variant is not present in population databases (gnomAD no frequency). This variant has not been reported in the literature in individuals affected with PTCH1-related conditions. Algorithms developed to predict the effect of missense changes on protein structure and function are either unavailable or do not agree on the potential impact of this missense change (SIFT: "Tolerated"; PolyPhen-2: "Probably Damaging"; Align-GVGD: "Class C0"). In summary, the available evidence is currently insufficient to determine the role of this variant in disease. Therefore, it has been classified as a Variant of Uncertain Significance.